The following is an entry in ClinVar:

ClinVar aggregate classification (germline): Likely benign. Review status: criteria provided, single submitter (1 of 4 stars). 2 submissions from 2 submitters: Likely benign (1). 1 of the submissions does not count toward it. Last evaluated 2022-10-28.

Conditions:
PLCE1-related disorder. Also called: PLCE1-related condition.

Allele frequency attached by ClinVar (database versions not stated): ExAC 0.00003; gnomAD 0.00003; TOPMed 0.00004; ESP Exome Variant Server 0.00008.
gnomAD v4.1: 96 of 1,614,038 alleles (0.0059%); highest among the groups gnomAD compares: East Asian, 0.011%; no homozygotes.

Submissions (2):

Labcorp Genetics (formerly Invitae), Labcorp
Classification: Likely benign. Last evaluated: 2022-10-28. Review status: criteria provided, single submitter. Criteria: Invitae Variant Classification Sherloc (09022015). Collection method: clinical testing. Allele origin: germline.

PreventionGenetics, part of Exact Sciences
Classification: Likely benign for PLCE1-related condition. Last evaluated: 2019-05-06. Review status: no assertion criteria provided. Collection method: clinical testing. Allele origin: germline. Not counted in ClinVar's aggregate classification.
Comment: This variant is classified as likely benign based on ACMG/AMP sequence variant interpretation guidelines (Richards et al. 2015 PMID: 25741868, with internal and published modifications).

NM_016341.4(PLCE1):c.3795C>T (p.Ser1265=)

Gene: PLCE1 (phospholipase C epsilon 1; plus strand). Cytogenetic location: 10q23.33.
Variant type: single nucleotide variant.
Coding change: c.3795C>T on transcript NM_016341.4 (MANE Select); coding-DNA position 3795, C replaced by T.
Protein change: p.Ser1265=; no amino-acid change (serine 1265 retained).
Molecular consequence: synonymous variant.
Genome position (GRCh38, 1-based): chr10:94,259,131, C>T. VCF-style: chr10-94259131-C-T. GRCh37 (hg19) VCF-style: chr10-96018888-C-T.
Other names: c.2871C>T, p.Ser957= (NM_001165979.2); c.3747C>T, p.Ser1249= (NM_001288989.2); c.3795C>T (NM_016341.3).
Identifiers: ClinVar variation 2958980 (VCV002958980.5), dbSNP rs367629770, ClinGen allele CA5612978.
Genomic context (GRCh38, chr10:94,259,131, plus strand): 5'-CCGATCTGGCTCCGAGTCAGCCCCACTCTACACCAACCTGACAATTGATGAAAACACCAG[C>T]GATCTTCAGCCTGACCTAGGTTTGTTGAACATTTTAGGATTTCCCTTTGGGATCAATCTG-3'
Protein context (NP_057425.3, residues 1255-1275): YTNLTIDENT[Ser1265=]DLQPDLDLLT